The following continues an entry in ClinVar:

NM_000492.4(CFTR):c.3205G>A (p.Gly1069Arg)

ClinVar aggregate classification (germline): Conflicting classifications of pathogenicity. Pathogenic (3); Likely pathogenic (12); Uncertain significance (9).

Submissions 6 to 15 of 27:

Quest Diagnostics Nichols Institute San Juan Capistrano
Classification: Likely pathogenic. Last evaluated: 2025-08-14. Review status: criteria provided, single submitter. Criteria: Quest Diagnostics criteria. Collection method: clinical testing. Allele origin: unknown.
Comment: The CFTR c.3205G>A (p.Gly1069Arg) variant is associated with a varying clinical consequence (CFTR2). This variant has been reported in the published in individuals with cystic fibrosis (CF), some of whom carried a CF-causing pathogenic variant on the opposite chromosome (PMIDs: 8528204 (1995), 30232781 (2018), 31245908 (2019)), and some without a second CFTR variant identified (PMIDs: 7529319 (1994), 17718859 (2007), 28544683 (2017), 34782259 (2021)). This variant has also been reported in many individuals with CFTR-related disorders (PMIDs: 11729110 (2001), 15758663 (2005), 17003641 (2006), 17329263 (2007), 18687795 (2008), 20460946 (2010), 23951356 (2013), 25033378 (2014), 25910067 (2015), 25869325 (2015), 28502372 (2017), 32777524 (2021), and 38493004 (2024)). Experimental studies indicate this variant may induce an ion channel gating defect in the CFTR protein (PMIDs: 8662892 (1996) and 22210114 (2012)). However, recent studies detected a more neutral to moderate effect of this variant with no impact to slight decrease of chloride channel conductance (approximately 77% of normal) (PMID: 38388235 (2024)) and no effect on mRNA splicing, CFTR protein expression or stability (PMID: 36567205 (2022)). The frequency of this variant in the general population (Genome Aggregation Database) is uninformative in the assessment of its pathogenicity. Based on the available information, this variant is classified as likely pathogenic.

Ambry Genetics
Classification: Likely pathogenic for Cystic fibrosis. Last evaluated: 2025-05-06. Review status: criteria provided, single submitter. Criteria: Ambry Variant Classification Scheme 2023. Collection method: clinical testing. Allele origin: germline.
Comment: The p.G1069R variant (also known as c.3205G>A), located in coding exon 20 of the CFTR gene, results from a G to A substitution at nucleotide position 3205. The glycine at codon 1069 is replaced by arginine, an amino acid with dissimilar properties. This variant was first reported in an individual diagnosed with cystic fibrosis, pancreatic insufficiency, and significant lung disease in cis with a nonsense mutation and in trans with p.F508del (Savov A et al. Hum. Mol. Genet., 1994 Jan;3:57-60). The p.G1069R variant has been reported as a variant of varying clinical consequences (VVCC) and has been identified in trans with a pathogenic mutation in individuals with intermediate sweat chloride levels and pancreatic insufficiency (Sosnay PR et al. Nat. Genet. 2013 Oct; 45(10):1160-7; Sosnay PR et al. Pediatr. Clin. North Am., 2016 08;63:585-98). Two siblings with idiopathic chronic pancreatitis (ICP) were both found to be heterozygous for p.G1069R and a second variant in CFTR; however, phase was not confirmed (Noone PG et al. Gastroenterology, 2001 Dec;121:1310-9). Another study of individuals with ICP identified this variant in an individual who was also heterozygous for the p.N34S mutation in SPINK1 (Masson E et al. PLoS ONE, 2013 Aug;8:e73522). Functional studies demonstrated that while the p.G1069R variant in CFTR does not impact protein maturation or conductance, it does reduce the probability of channel opening (Seibert FS et al. J. Biol. Chem., 1996 Jun;271:15139-45). This amino acid position is well conserved in available vertebrate species. In addition, the in silico prediction for this alteration is inconclusive. Based on the majority of available evidence to date, this variant is likely to be pathogenic.

First Genomix Gene Laboratory, Genetic Diagnostics Department
Classification: Likely pathogenic for Congenital bilateral aplasia of vas deferens from CFTR mutation; Cystic fibrosis. Last evaluated: 2025-03-27. Review status: criteria provided, single submitter. Criteria: ACMG Guidelines, 2015. Collection method: clinical testing. Allele origin: germline. Inheritance: Autosomal recessive inheritance. Affected: no. Observed: 1 variant allele.

ARUP Laboratories, Molecular Genetics and Genomics, ARUP Laboratories
Classification: Pathogenic for Cystic fibrosis; Bronchiectasis with or without elevated sweat chloride 1; Hereditary pancreatitis; Congenital bilateral aplasia of vas deferens from CFTR mutation. Last evaluated: 2025-02-28. Review status: criteria provided, single submitter. Criteria: ARUP Molecular Germline Variant Investigation Process 2024. Collection method: clinical testing. Allele origin: germline.
Comment: The CFTR c.3205G>A; p.Gly1069Arg variant (rs200321110) is reported in the literature in multiple individuals affected with CFTR-related disorders (Keiles 2006, LaRusch 2014, Masson 2013, Ratbi 2007). It has also been reported in patients with cystic fibrosis without an identified second variant in CFTR (Angelicheva 1997, Savov 1994, Sosnay 2013), and was found in-cis with a truncating variant in one patient (Savov 1994). This variant is reported in ClinVar (Variation ID: 53684), and is found in the general population with an overall allele frequency of 0.027% (75/282294 alleles) in the Genome Aggregation Database. The glycine at codon 1069 is moderately conserved, and computational analyses are uncertain whether this variant is neutral or deleterious (REVEL: 0.603). However, other computational analyses (Alamut v.2.11) predict that this variant may impact splicing by creating a novel cryptic acceptor splice site. In vitro functional analyses demonstrate that this variant does not alter protein expression, but reduces channel function (Seibert 1996). Based on the range of clinical symptoms observed in patients with this variant, we consider the p.Gly1069Arg variant to be pathogenic with varying clinical consequences. References: Angelicheva D et al. Cystic fibrosis mutations and associated haplotypes in Bulgaria - a comparative population genetic study. Hum Genet. 1997 Apr;99(4):513-20. PMID: 9099843. Guan WJ et al. Next-generation sequencing for identifying genetic mutations in adults with bronchiectasis. J Thorac Dis. 2018 May;10(5):2618-2630. PMID: 29997923. Keiles S and Kammesheidt A. Identification of CFTR, PRSS1, and SPINK1 mutations in 381 patients with pancreatitis. Pancreas. 2006 Oct;33(3):221-7. PMID: 17003641. LaRusch J et al. Mechanisms of CFTR functional variants that impair regulated bicarbonate permeation and increase risk for pancreatitis but not for cystic fibrosis. PLoS Genet. 2014 Jul 17;10(7):e1004376. PMID: 25033378. Masson E et al. A conservative assessment of the major genetic causes of idiopathic chronic pancreatitis: data from a comprehensive analysis of PRSS1, SPINK1, CTRC and CFTR genes in 253 young French patients. PLoS One. 2013 Aug 8;8(8):e73522. PMID: 23951356. Ratbi I et al. Detection of cystic fibrosis transmembrane conductance regulator (CFTR) gene rearrangements enriches the mutation spectrum in congenital bilateral absence of the vas deferens and impacts on genetic counselling. Hum Reprod. 2007 May;22(5):1285-91. PMID: 17329263. Savov A et al. Identification of six novel mutations in the CFTR gene of patients from Bulgaria by screening the twenty seven exons and exon/intron boundaries using DGGE and direct DNA sequencing. Hum Mol Genet. 1994 Jan;3(1):57-60. PMID: 7512860. Seibert FS et al. Disease-associated mutations in the fourth cytoplasmic loop of cystic fibrosis transmembrane conductance regulator compromise biosynthetic processing and chloride channel activity. J Biol Chem. 1996 Jun 21;271(25):15139-45. PMID: 8662892. Sosnay PR et al. Defining the disease liability of variants in the cystic fibrosis transmembrane conductance regulator gene. Nat Genet. 2013 Oct;45(10):1160-7. PMID: 23974870. Zou WB et al. SPINK1, PRSS1, CTRC, and CFTR Genotypes Influence Disease Onset and Clinical Outcomes in Chronic Pancreatitis. Clin Transl Gastroenterol. 2018 Nov 12;9(11):204. PMID: 30420730.

Labcorp Genetics (formerly Invitae), Labcorp
Classification: Uncertain significance for Cystic fibrosis. Last evaluated: 2024-12-26. Review status: criteria provided, single submitter. Criteria: Invitae Variant Classification Sherloc (09022015). Collection method: clinical testing. Allele origin: germline.
Comment: This sequence change replaces glycine, which is neutral and non-polar, with arginine, which is basic and polar, at codon 1069 of the CFTR protein (p.Gly1069Arg). This variant is present in population databases (rs200321110, gnomAD 0.1%). This missense change has been observed in individual(s) with cystic fibrosis, congenital bilateral absence of the vas deferens, and chronic pancreatitis (PMID: 8528204, 9239681, 11729110, 17003641, 17329263, 20460946, 23951356, 23974870, 25033378, 25869325, 25910067). ClinVar contains an entry for this variant (Variation ID: 53684). Invitae Evidence Modeling of protein sequence and biophysical properties (such as structural, functional, and spatial information, amino acid conservation, physicochemical variation, residue mobility, and thermodynamic stability) indicates that this missense variant is not expected to disrupt CFTR protein function with a negative predictive value of 80%. Experimental studies have shown that this missense change affects CFTR function (PMID: 8662892, 18305154). In summary, the available evidence is currently insufficient to determine the role of this variant in disease. Therefore, it has been classified as a Variant of Uncertain Significance.

Blueprint Genetics
Classification: Uncertain significance. Last evaluated: 2024-11-05. Review status: criteria provided, single submitter. Criteria: ACMG Guidelines, 2015. Collection method: clinical testing. Allele origin: germline.

Fulgent Genetics
Classification: Likely pathogenic for Hereditary pancreatitis; Bronchiectasis with or without elevated sweat chloride 1; Cystic fibrosis; Congenital bilateral aplasia of vas deferens from CFTR mutation. Last evaluated: 2024-05-07. Review status: criteria provided, single submitter. Criteria: ACMG Guidelines, 2015. Collection method: clinical testing. Allele origin: germline.

Baylor Genetics
Classification: Likely pathogenic for Bronchiectasis with or without elevated sweat chloride 1. Last evaluated: 2024-03-30. Review status: criteria provided, single submitter. Criteria: ACMG Guidelines, 2015. Collection method: clinical testing. Allele origin: unknown.

Laboratory of Medical Genetics, National & Kapodistrian University of Athens
Classification: Likely pathogenic for Cystic fibrosis. Last evaluated: 2024-02-01. Review status: criteria provided, single submitter. Criteria: ACMG Guidelines, 2015. Collection method: curation. Allele origin: germline. Affected: no.

Revvity Omics, Revvity
Classification: Uncertain significance. Last evaluated: 2023-12-22. Review status: criteria provided, single submitter. Criteria: ACMG Guidelines, 2015. Collection method: clinical testing. Allele origin: germline.